The following is an entry in ClinVar:

NM_002103.5(GYS1):c.2214A>T (p.Ter738Tyr)

Gene: GYS1 (glycogen synthase 1; minus strand). Cytogenetic location: 19q13.33.
Variant type: single nucleotide variant.
Coding change: c.2214A>T on transcript NM_002103.5 (MANE Select); coding-DNA position 2214, A replaced by T.
Protein change: p.Ter738Tyr.
Molecular consequence: stop lost. On other transcripts: non-coding transcript variant (1).
Genome position (GRCh38, 1-based): chr19:48,969,288, T>A on the plus strand (A>T on the coding strand, the complement: GYS1 is on the minus strand). VCF-style: chr19-48969288-T-A. GRCh37 (hg19) VCF-style: chr19-49472545-T-A.
Other names: *674Y; *738Y; c.2022A>T, p.Ter674Tyr (NM_001161587.2).
Identifiers: ClinVar variation 966238 (VCV000966238.6), dbSNP rs1310157370, ClinGen allele CA406758982.

ClinVar aggregate classification (germline): Uncertain significance (1 of 4 stars; one submission).

Conditions:
Glycogen storage disease due to muscle and heart glycogen synthase deficiency. Also called: GSD 0b; MUSCLE GLYCOGEN SYNTHASE DEFICIENCY. Identifiers: Orphanet 137625, MedGen C1969054, MONDO:0012693, OMIM 611556.

Allele frequency attached by ClinVar (database versions not stated): gnomAD 0.00001; gnomAD exomes 0.00002.
gnomAD v4.1: 25 of 1,546,288 alleles (0.0016%); highest among the groups gnomAD compares: Non-Finnish European, 0.0019%; no homozygotes.

Submission:

Labcorp Genetics (formerly Invitae), Labcorp
Classification: Uncertain significance for Glycogen storage disease due to muscle and heart glycogen synthase deficiency. Last evaluated: 2021-01-16. Review status: criteria provided, single submitter. Criteria: Invitae Variant Classification Sherloc (09022015). Collection method: clinical testing. Allele origin: germline.
Comment: In summary, the available evidence is currently insufficient to determine the role of this variant in disease. Therefore, it has been classified as a Variant of Uncertain Significance. This variant has not been reported in the literature in individuals with GYS1-related conditions. ClinVar contains an entry for this variant (Variation ID: 966238). The frequency data for this variant in the population databases is considered unreliable, as metrics indicate insufficient coverage at this position in the ExAC database. This sequence change disrupts the translational stop signal of the GYS1 mRNA. It is expected to extend the length of the GYS1 protein by 25 additional amino acid residues.